The following is an entry in ClinVar:

NM_006493.4(CLN5):c.-113G>T

Gene: CLN5 (CLN5 lysosomal BMP synthase; plus strand). Cytogenetic location: 13q22.3.
Variant type: single nucleotide variant.
Coding change: c.-113G>T on transcript NM_006493.4 (MANE Select); 113 bases upstream of the start codon, G replaced by T.
Genome position (GRCh38, 1-based): chr13:76,991,986, G>T. VCF-style: chr13-76991986-G-T. GRCh37 (hg19) VCF-style: chr13-77566121-G-T.
Identifiers: ClinVar variation 577247 (VCV000577247.13), dbSNP rs1465531119, ClinGen allele CA388305690.

ClinVar aggregate classification (germline): Uncertain significance. Review status: criteria provided, single submitter (1 of 4 stars). 2 submissions from 2 submitters: Uncertain significance (1). 1 of the submissions does not count toward it. Last evaluated 2022-07-05.

Conditions:
Neuronal ceroid lipofuscinosis. Also called: Neuronal Ceroid Lipofuscinoses. Identifiers: Orphanet 216, Orphanet 79263, MedGen C0027877, MONDO:0016295. Disease mechanism: loss of function.
Neuronal ceroid lipofuscinosis 5 (CLN5). Also called: CLN5-Related Neuronal Ceroid-Lipofuscinosis; CEROID LIPOFUSCINOSIS, NEURONAL, 5, VARIABLE AGE AT ONSET; Neuronal ceroid lipofuscinosis Finnish variant; NEURONAL CEROID LIPOFUSCINOSIS, LATE INFANTILE, FINNISH VARIANT. Identifiers: Orphanet 168491, Orphanet 228360, MedGen C1850442, MONDO:0009745, OMIM 256731.

Allele frequency attached by ClinVar (database versions not stated): gnomAD exomes below 0.00001 and 0.00001; TOPMed below 0.00001.

Submissions (2):

Labcorp Genetics (formerly Invitae), Labcorp
Classification: Uncertain significance for Neuronal ceroid lipofuscinosis. Last evaluated: 2022-07-05. Review status: criteria provided, single submitter. Criteria: Invitae Variant Classification Sherloc (09022015). Collection method: clinical testing. Allele origin: germline.
Comment: This sequence change replaces glycine, which is neutral and non-polar, with valine, which is neutral and non-polar, at codon 12 of the CLN5 protein (p.Gly12Val). The frequency data for this variant in the population databases is considered unreliable, as metrics indicate poor data quality at this position in the gnomAD database. This variant has not been reported in the literature in individuals affected with CLN5-related conditions. ClinVar contains an entry for this variant (Variation ID: 577247). Algorithms developed to predict the effect of missense changes on protein structure and function are either unavailable or do not agree on the potential impact of this missense change (SIFT: "Deleterious"; PolyPhen-2: "Probably Damaging"; Align-GVGD: "Class C0"). In summary, the available evidence is currently insufficient to determine the role of this variant in disease. Therefore, it has been classified as a Variant of Uncertain Significance.

Natera, Inc.
Classification: Uncertain significance for Neuronal ceroid lipofuscinosis. Last evaluated: 2019-10-28. Review status: no assertion criteria provided. Collection method: clinical testing. Allele origin: germline. Not counted in ClinVar's aggregate classification.